The following is an entry in ClinVar:

ClinVar aggregate classification (germline): Uncertain significance (1 of 4 stars; one submission).

Conditions:
Immunodeficiency 39 (IMD39). Identifiers: Orphanet 574918, MedGen C4225358, MONDO:0014597, OMIM 616345.

Allele frequency attached by ClinVar (database versions not stated): gnomAD 0.00001.

Submission:

Labcorp Genetics (formerly Invitae), Labcorp
Classification: Uncertain significance for Immunodeficiency 39. Last evaluated: 2022-08-16. Review status: criteria provided, single submitter. Criteria: Invitae Variant Classification Sherloc (09022015). Collection method: clinical testing. Allele origin: germline.
Comment: In summary, the available evidence is currently insufficient to determine the role of this variant in disease. Therefore, it has been classified as a Variant of Uncertain Significance. Algorithms developed to predict the effect of missense changes on protein structure and function are either unavailable or do not agree on the potential impact of this missense change (SIFT: "Tolerated"; PolyPhen-2: "Possibly Damaging"; Align-GVGD: "Class C0"). ClinVar contains an entry for this variant (Variation ID: 1493035). This variant has not been reported in the literature in individuals affected with IRF7-related conditions. The frequency data for this variant in the population databases is considered unreliable, as metrics indicate poor data quality at this position in the gnomAD database. This sequence change replaces proline, which is neutral and non-polar, with leucine, which is neutral and non-polar, at codon 297 of the IRF7 protein (p.Pro297Leu).

NM_001572.5(IRF7):c.851C>T (p.Pro284Leu)

Gene: IRF7 (interferon regulatory factor 7; minus strand). Cytogenetic location: 11p15.5.
Variant type: single nucleotide variant.
Coding change: c.851C>T on transcript NM_001572.5 (MANE Select); coding-DNA position 851, C replaced by T.
Protein change: p.Pro284Leu; replaces proline 284 with leucine.
Molecular consequence: missense variant.
Genome position (GRCh38, 1-based): chr11:613,592, G>A on the plus strand (C>T on the coding strand, the complement: IRF7 is on the minus strand). VCF-style: chr11-613592-G-A. GRCh37 (hg19) VCF-style: chr11-613592-G-A.
Other names: c.764C>T, p.Pro255Leu (NM_004029.4); c.890C>T, p.Pro297Leu (NM_004031.4); short protein forms P255L, P284L, P297L.
Identifiers: ClinVar variation 1493035 (VCV001493035.8), dbSNP rs1163743239, ClinGen allele CA378979720.